The following is an entry in ClinVar:

NM_000081.4(LYST):c.9023A>G (p.Lys3008Arg)

Gene: LYST (lysosomal trafficking regulator; minus strand). Cytogenetic location: 1q42.3.
Variant type: single nucleotide variant.
Coding change: c.9023A>G on transcript NM_000081.4 (MANE Select); coding-DNA position 9023, A replaced by G.
Protein change: p.Lys3008Arg; replaces lysine 3008 with arginine.
Molecular consequence: missense variant.
Genome position (GRCh38, 1-based): chr1:235,730,868, T>C on the plus strand (A>G on the coding strand, the complement: LYST is on the minus strand). VCF-style: chr1-235730868-T-C. GRCh37 (hg19) VCF-style: chr1-235894168-T-C.
Other names: c.9023A>G, p.Lys3008Arg (NM_001301365.1); short protein forms K3008R.
Identifiers: ClinVar variation 1389672 (VCV001389672.3), dbSNP rs755781095, ClinGen allele CA1465705.
Genomic context (GRCh38, chr1:235,730,868, plus strand): 5'-TATTCATGAAAGAGTGAAGGTCTATTGATTCAAAGTTACCTTATAGATTCACTTGCAGCT[T>C]TGTCTTTGACAGTAGAAGAGAAAGAAGAATGAGTTTTGTCTTCAAACAGGTAAGAGAGTG-3'
Protein context (NP_000072.2, residues 2998-3018): HSSFSSTVKD[Lys3008Arg]AASESIRVNR

ClinVar aggregate classification (germline): Uncertain significance (1 of 4 stars; one submission).

Conditions:
Chédiak-Higashi syndrome (CHS). Also called: Chediak-Higashi Syndrome. Identifiers: Orphanet 167, MedGen C0007965, MONDO:0008963, OMIM 214500.

Allele frequency attached by ClinVar (database versions not stated): gnomAD exomes 0.00001; TOPMed 0.00002; ExAC 0.00004.
gnomAD v4.1: 8 of 1,611,938 alleles (0.0005%); highest among the groups gnomAD compares: Admixed American, 0.013%; no homozygotes.

Submission:

Labcorp Genetics (formerly Invitae), Labcorp
Classification: Uncertain significance for Chédiak-Higashi syndrome. Last evaluated: 2024-01-02. Review status: criteria provided, single submitter. Criteria: Invitae Variant Classification Sherloc (09022015). Collection method: clinical testing. Allele origin: germline.
Comment: This sequence change replaces lysine, which is basic and polar, with arginine, which is basic and polar, at codon 3008 of the LYST protein (p.Lys3008Arg). This variant is present in population databases (rs755781095, gnomAD 0.02%). This variant has not been reported in the literature in individuals affected with LYST-related conditions. ClinVar contains an entry for this variant (Variation ID: 1389672). Advanced modeling of protein sequence and biophysical properties (such as structural, functional, and spatial information, amino acid conservation, physicochemical variation, residue mobility, and thermodynamic stability) performed at Invitae indicates that this missense variant is not expected to disrupt LYST protein function with a negative predictive value of 80%. In summary, the available evidence is currently insufficient to determine the role of this variant in disease. Therefore, it has been classified as a Variant of Uncertain Significance.